The following is an entry in ClinVar:

NM_002474.3(MYH11):c.1576-9C>T

Gene: MYH11 (myosin heavy chain 11; minus strand). Cytogenetic location: 16p13.11.
Variant type: single nucleotide variant.
Coding change: c.1576-9C>T on transcript NM_002474.3 (MANE Select); 9 bases into the intron before coding-DNA position 1576, C replaced by T.
Molecular consequence: intron variant.
Genome position (GRCh38, 1-based): chr16:15,756,523, G>A on the plus strand (C>T on the coding strand, the complement: MYH11 is on the minus strand). VCF-style: chr16-15756523-G-A. GRCh37 (hg19) VCF-style: chr16-15850380-G-A.
Other names: c.1576-9C>T (NM_022844.3); c.1597-9C>T (NM_001040114.2, NM_001040113.2).
Identifiers: ClinVar variation 382020 (VCV000382020.13), dbSNP rs1057521240, ClinGen allele CA16607993.

ClinVar aggregate classification (germline): Likely benign. Review status: criteria provided, multiple submitters, no conflicts (2 of 4 stars). 3 submissions from 3 submitters: Likely benign (3). Last evaluated 2025-06-27.

Conditions:
Familial thoracic aortic aneurysm and aortic dissection (TAAD). Also called: Thoracic aortic aneurysms and dissections. Identifiers: Orphanet 91387, MedGen C4707243, MONDO:0019625.
Aortic aneurysm, familial thoracic 4 (AAT4). Also called: AORTIC ANEURYSM/AORTIC DISSECTION AND PATENT DUCTUS ARTERIOSUS. Identifiers: MedGen C1851504, MONDO:0007568, OMIM 132900.

Allele frequency attached by ClinVar (database versions not stated): TOPMed below 0.00001; gnomAD 0.00001; gnomAD exomes 0.00001.
gnomAD v4.1: 9 of 1,614,026 alleles (0.00056%); highest among the groups gnomAD compares: Non-Finnish European, 0.00076%; no homozygotes.

Submissions (3):

Labcorp Genetics (formerly Invitae), Labcorp
Classification: Likely benign for Aortic aneurysm, familial thoracic 4. Last evaluated: 2025-06-27. Review status: criteria provided, single submitter. Criteria: Invitae Variant Classification Sherloc (09022015). Collection method: clinical testing. Allele origin: germline.

Color Diagnostics, LLC DBA Color Health
Classification: Likely benign for Familial thoracic aortic aneurysm and aortic dissection. Last evaluated: 2019-08-15. Review status: criteria provided, single submitter. Criteria: ACMG Guidelines, 2015. Collection method: clinical testing. Allele origin: germline.

GeneDx
Classification: Likely benign. Last evaluated: 2015-12-08. Review status: criteria provided, single submitter. Criteria: GeneDx Variant Classification (06012015). Collection method: clinical testing. Allele origin: germline. Affected: yes.
Comment: This variant is considered likely benign or benign based on one or more of the following criteria: it is a conservative change, it occurs at a poorly conserved position in the protein, it is predicted to be benign by multiple in silico algorithms, and/or has population frequency not consistent with disease.